The following is an entry in ClinVar:

NM_017882.3(CLN6):c.316dup (p.Arg106fs)

Gene: CLN6 (CLN6 transmembrane ER protein; minus strand). Cytogenetic location: 15q23.
Variant type: Duplication.
Coding change: c.316dup on transcript NM_017882.3 (MANE Select); coding-DNA position 316, one base duplicated (C; older notation c.316dupC).
Protein change: p.Arg106fs; shifts the reading frame from arginine 106.
Molecular consequence: frameshift variant.
Genome position (GRCh38, 1-based): chr15:68,211,845, G duplicated on the plus strand (C on the coding strand, the reverse complement: CLN6 is on the minus strand); the first of 6 consecutive G bases (chr15:68,211,845-68,211,850); duplicating any one gives the same sequence. VCF-style (leftmost placement, unchanged base first): chr15-68211844-C-CG. GRCh37 (hg19) VCF-style: chr15-68504182-C-CG.
Other names: NM_017882.3(CLN6):c.316dup; p.Arg106fs; short protein forms R106fs.
Identifiers: ClinVar variation 4081 (VCV000004081.55), dbSNP rs397515352, ClinGen allele CA340157.
Genomic context (GRCh38, chr15:68,211,844, plus strand): 5'-ATGCTGGCACCCATGATGAAGATGATGATGCTCACGTACGTGATGGAGCGTGGCAGGGTG[C>CG]GGGGGGACCGCTCGATGAGCTGGGGTTCAGAGTGGGGTTGGCAGCATGACCCCACCTCTG-3'

ClinVar aggregate classification (germline): Pathogenic. Review status: criteria provided, multiple submitters, no conflicts (2 of 4 stars). 10 submissions from 10 submitters: Pathogenic (6). 4 of the submissions do not count toward it. Last evaluated 2025-03-27.

Conditions:
Ceroid lipofuscinosis, neuronal, 6A. Also called: Neuronal ceroid lipofuscinosis, late infantile, variant; Neuronal ceroid lipofuscinosis, Gypsy/Indian early juvenile variant; Neuronal ceroid lipofuscinosis 6; CLN6-Related Neuronal Ceroid-Lipofuscinosis. Identifiers: Orphanet 168491, Orphanet 228363, MedGen C5551375, MONDO:0011144, OMIM 601780.
Ceroid lipofuscinosis, neuronal, 6B (Kufs type). Also called: Neuronal ceroid lipofuscinosis 4A. Identifiers: Orphanet 700477, MedGen C5561927, MONDO:0008768, OMIM 204300.
Neuronal ceroid lipofuscinosis. Also called: Neuronal Ceroid Lipofuscinoses. Identifiers: Orphanet 216, Orphanet 79263, MedGen C0027877, MONDO:0016295. Disease mechanism: loss of function.

Submissions (10):

Natera, Inc.
Classification: Pathogenic for Ceroid lipofuscinosis, neuronal, 6A. Last evaluated: 2025-03-27. Review status: criteria provided, single submitter. Criteria: Natera Variant Classification Schema (03/2026). Collection method: clinical testing. Allele origin: germline.
Comment: The c.316dup variant in CLN6 is a frameshift variant predicted to shift the reading frame beginning at codon 106 and leads to a stop codon 26 codons downstream. This variant is expected to result in nonsense mediated decay, truncation, or a dysfunctional protein product. This variant is rare in the general population with a frequency below the threshold expected for the associated phenotype(s). This variant has been observed in one or more individuals affected with the associated recessive disease, as either homozygous or compound heterozygous with a second variant (PMID: 23735787). Given the available evidence, this variant is classified as Pathogenic.

Fulgent Genetics
Classification: Pathogenic for Ceroid lipofuscinosis, neuronal, 6B (Kufs type); Ceroid lipofuscinosis, neuronal, 6A. Last evaluated: 2024-02-08. Review status: criteria provided, single submitter. Criteria: ACMG Guidelines, 2015. Collection method: clinical testing. Allele origin: germline.

Labcorp Genetics (formerly Invitae), Labcorp
Classification: Pathogenic for Neuronal ceroid lipofuscinosis. Last evaluated: 2023-09-14. Review status: criteria provided, single submitter. Criteria: Invitae Variant Classification Sherloc (09022015). Collection method: clinical testing. Allele origin: germline.
Comment: For these reasons, this variant has been classified as Pathogenic. ClinVar contains an entry for this variant (Variation ID: 4081). This premature translational stop signal has been observed in individual(s) with neuronal ceroid lipofuscinosis (PMID: 11727201). This variant is present in population databases (rs397515352, gnomAD 0.02%). This sequence change creates a premature translational stop signal (p.Arg106Profs*26) in the CLN6 gene. It is expected to result in an absent or disrupted protein product. Loss-of-function variants in CLN6 are known to be pathogenic (PMID: 19135028).

Broad Center for Mendelian Genomics, Broad Institute of MIT and Harvard
Classification: Pathogenic for Ceroid lipofuscinosis, neuronal, 6A. Last evaluated: 2023-01-25. Review status: criteria provided, single submitter. Criteria: ACMG Guidelines, 2015. Collection method: curation. Allele origin: germline. Inheritance: Autosomal recessive inheritance. Study: Broad Institute Center for Mendelian Genomics (CMG).
Comment: The p.Arg106ProfsTer26 variant in CLN6 has been identified in 4 unrelated individuals with neuronal ceroid lipofuscinosis 6 (PMID: 23735787, PMID: 11727201) but has been identified in 0.02% (5/30614) of South Asian chromosomes by the Genome Aggregation Database (gnomAD; dbSNP ID: rs397515352). Although this variant has been seen in the general population in a heterozygous state, its frequency is not high enough to rule out a pathogenic role. These 4 unrelated affected individuals were homozygotes (PMID: 23735787, PMID: 11727201), which increases the likelihood that the p.Arg106ProfsTer26 variant in CLN6 is pathogenic. This variant has also been reported in ClinVar (Variation ID: 4081) and has been interpreted as pathogenic by multiple submitters. In vitro functional studies provide some evidence that the p.Arg106ProfsTer26 variant may impact protein function (PMID: 20020536, PMID: 15265688). However, these types of assays may not accurately represent biological function. Animal models in mice have shown that this variant causes neuronal ceroid lipofuscinosis (PMID: 11727201). This variant is predicted to cause a frameshift, which alters the protein‚Äôs amino acid sequence beginning at position 106 and leads to a premature termination codon 26 amino acids downstream. This alteration is then predicted to lead to a truncated or absent protein. Loss of function of the CLN6 gene is an established disease mechanism in autosomal recessive neuronal ceroid lipofuscinosis 6. In summary, this variant meets criteria to be classified as pathogenic for autosomal recessive neuronal ceroid lipofuscinosis 6. ACMG/AMP Criteria applied: PVS1, PS3, PM3 (Richards 2015).

CeGaT Center for Human Genetics Tuebingen
Classification: Pathogenic. Last evaluated: 2020-03-01. Review status: criteria provided, single submitter. Criteria: CeGaT Center For Human Genetics Tuebingen Variant Classification Criteria Version 2. Collection method: clinical testing. Allele origin: germline. Affected: yes. Observed: 1 variant allele.

CENTOGENE GmbH and LLC - Guiding Precision Medicine
Classification: Pathogenic for Neuronal ceroid lipofuscinosis type 6. Review status: criteria provided, single submitter. Criteria: ACMG Guidelines, 2015. Collection method: clinical testing. Allele origin: germline. Affected: yes.

Biochemical Molecular Genetic Laboratory, King Abdulaziz Medical City
Classification: Pathogenic for Ceroid lipofuscinosis, neuronal, 6A. Last evaluated: 2019-08-25. Review status: no assertion criteria provided. Collection method: clinical testing. Allele origin: germline. Affected: yes. Not counted in ClinVar's aggregate classification.

OMIM
Classification: Pathogenic for CEROID LIPOFUSCINOSIS, NEURONAL, 6A. Last evaluated: 2002-02-01. Review status: no assertion criteria provided. Collection method: literature only. Allele origin: germline. Not counted in ClinVar's aggregate classification.

GeneReviews
No classification provided. Condition: Ceroid lipofuscinosis, neuronal, 6A. Review status: no classification provided. Collection method: literature only. Allele origin: unknown. Not counted in ClinVar's aggregate classification.

Hong-Tao Li Lab, Institute of Brain Science and Brain-inspired Research, Shandong First Medical University & Shandong Academy of Medical Sciences China
Classification: Pathogenic for Ceroid lipofuscinosis, neuronal, 6A. Review status: no assertion criteria provided. Collection method: research. Allele origin: germline. Inheritance: Autosomal recessive inheritance. Affected: yes. Observed: 1 variant allele, 1 homozygote. Not counted in ClinVar's aggregate classification.
Comment: Observed in affected individuals from a Pakistani neurodevelopmental-disorder research cohort of 263 individuals. Classification assigned using the ACMG/AMP framework. Population-frequency evidence: gnomAD AF 2.396e-05.

Literature cited by the submitters: PubMed 23735787 (cited by Natera, Inc.); PubMed 11727201 (cited by 3 submitters); PubMed 19135028 (cited by Labcorp Genetics (formerly Invitae), Labcorp); PubMed 15265688 (cited by Broad Center for Mendelian Genomics, Broad Institute of MIT and Harvard); PubMed 20301601 (cited by GeneReviews); NCBI Bookshelf NBK1428 (cited by GeneReviews).